The following is an entry in ClinVar:

ClinVar aggregate classification (germline): Uncertain significance. Review status: criteria provided, multiple submitters, no conflicts (2 of 4 stars). 2 submissions from 2 submitters: Uncertain significance (2). Last evaluated 2025-08-04.

Allele frequency attached by ClinVar (database versions not stated): gnomAD 0.00003; 1000 Genomes Project 0.00040; gnomAD exomes 0.00002 and 0.00005; TOPMed 0.00002; 1000 Genomes Project 30x 0.00031; ExAC 0.00002.
gnomAD v4.1: 77 of 1,614,200 alleles (0.0048%); highest among the groups gnomAD compares: Middle Eastern, 0.049%; no homozygotes.

Submissions (2):

Dasa
Classification: Uncertain significance. Last evaluated: 2025-08-04. Review status: criteria provided, single submitter. Criteria: DASA Assertion Criteria. Collection method: clinical testing. Allele origin: germline.
Comment: NM_000122.2(ERCC3):c.1201A>G (p.Ile401Val) is a missense variant that results in the substitution of isoleucine with valine. This variant is rare in population databases. Computational prediction algorithms are consistent with a benign effect. The currently available literature and clinical evidence are not sufficient to establish a definitive association between this variant and the reported condition. Therefore, this variant is classified as a variant of uncertain significance.

Labcorp Genetics (formerly Invitae), Labcorp
Classification: Uncertain significance. Last evaluated: 2022-08-19. Review status: criteria provided, single submitter. Criteria: Invitae Variant Classification Sherloc (09022015). Collection method: clinical testing. Allele origin: germline.
Comment: This sequence change replaces isoleucine, which is neutral and non-polar, with valine, which is neutral and non-polar, at codon 401 of the ERCC3 protein (p.Ile401Val). This variant is present in population databases (rs115176021, gnomAD 0.007%). This variant has not been reported in the literature in individuals affected with ERCC3-related conditions. ClinVar contains an entry for this variant (Variation ID: 1446551). Algorithms developed to predict the effect of missense changes on protein structure and function (SIFT, PolyPhen-2, Align-GVGD) all suggest that this variant is likely to be tolerated. In summary, the available evidence is currently insufficient to determine the role of this variant in disease. Therefore, it has been classified as a Variant of Uncertain Significance.

NM_000122.2(ERCC3):c.1201A>G (p.Ile401Val)

Gene: ERCC3 (ERCC excision repair 3, TFIIH core complex helicase subunit; minus strand). Cytogenetic location: 2q14.3.
Variant type: single nucleotide variant.
Coding change: c.1201A>G on transcript NM_000122.2 (MANE Select); coding-DNA position 1201, A replaced by G.
Protein change: p.Ile401Val; replaces isoleucine 401 with valine.
Molecular consequence: missense variant.
Genome position (GRCh38, 1-based): chr2:127,286,844, T>C on the plus strand (A>G on the coding strand, the complement: ERCC3 is on the minus strand). VCF-style: chr2-127286844-T-C. GRCh37 (hg19) VCF-style: chr2-128044420-T-C.
Other names: c.1009A>G, p.Ile337Val (NM_001303416.2, NM_001303418.2); short protein forms I401V, I337V.
Identifiers: ClinVar variation 1446551 (VCV001446551.5), dbSNP rs115176021, ClinGen allele CA1858336.